The following is an entry in ClinVar:

NM_001367624.2(ZNF469):c.1911A>G (p.Pro637=)

Gene: ZNF469 (zinc finger protein 469; plus strand). Cytogenetic location: 16q24.2.
Variant type: single nucleotide variant.
Coding change: c.1911A>G on transcript NM_001367624.2 (MANE Select); coding-DNA position 1911, A replaced by G.
Protein change: p.Pro637=; no amino-acid change (proline 637 retained).
Molecular consequence: synonymous variant.
Genome position (GRCh38, 1-based): chr16:88,429,381, A>G. VCF-style: chr16-88429381-A-G. GRCh37 (hg19) VCF-style: chr16-88495789-A-G.
Other names: NM_001127464.1:c.1911A>G; NM_001127464.2:c.1911A>G.
Identifiers: ClinVar variation 518102 (VCV000518102.12), dbSNP rs373169260, ClinGen allele CA286373194.

ClinVar aggregate classification (germline): Likely benign. Review status: criteria provided, multiple submitters, no conflicts (2 of 4 stars). 4 submissions from 4 submitters: Likely benign (3). 1 of the submissions does not count toward it. Last evaluated 2025-12-03.

Conditions:
ZNF469-related disorder. Also called: ZNF469-related condition.
Cardiovascular phenotype. Identifiers: MedGen CN230736.

Allele frequency attached by ClinVar (database versions not stated): gnomAD exomes below 0.00001 and 0.00003; TOPMed 0.00004; gnomAD 0.00005 and 0.00006.
gnomAD v4.1: 30 of 1,473,468 alleles (0.002%); highest among the groups gnomAD compares: East Asian, 0.011%; no homozygotes.

Submissions (4):

Labcorp Genetics (formerly Invitae), Labcorp
Classification: Likely benign. Last evaluated: 2025-12-03. Review status: criteria provided, single submitter. Criteria: Invitae Variant Classification Sherloc (09022015). Collection method: clinical testing. Allele origin: germline.

Ambry Genetics
Classification: Likely benign for Cardiovascular phenotype. Last evaluated: 2022-03-03. Review status: criteria provided, single submitter. Criteria: Ambry Variant Classification Scheme 2023. Collection method: clinical testing. Allele origin: germline.

GeneDx
Classification: Likely benign. Last evaluated: 2017-06-22. Review status: criteria provided, single submitter. Criteria: GeneDx Variant Classification (06012015). Collection method: clinical testing. Allele origin: germline. Affected: yes.
Comment: This variant is considered likely benign or benign based on one or more of the following criteria: it is a conservative change, it occurs at a poorly conserved position in the protein, it is predicted to be benign by multiple in silico algorithms, and/or has population frequency not consistent with disease.

PreventionGenetics, part of Exact Sciences
Classification: Likely benign for ZNF469-related condition. Last evaluated: 2019-03-27. Review status: no assertion criteria provided. Collection method: clinical testing. Allele origin: germline. Not counted in ClinVar's aggregate classification.
Comment: This variant is classified as likely benign based on ACMG/AMP sequence variant interpretation guidelines (Richards et al. 2015 PMID: 25741868, with internal and published modifications).